The following is an entry in ClinVar:

ClinVar aggregate classification (germline): Uncertain significance. Review status: criteria provided, multiple submitters, no conflicts (2 of 4 stars). 3 submissions from 3 submitters: Uncertain significance (2). 1 of the submissions does not count toward it. Last evaluated 2025-04-11.

Conditions:
IMPG1-related disorder. Also called: IMPG1-related condition.

Allele frequency attached by ClinVar (database versions not stated): ExAC 0.00001; gnomAD 0.00001; gnomAD exomes 0.00001; TOPMed 0.00001.
gnomAD v4.1: 22 of 1,613,930 alleles (0.0014%); highest among the groups gnomAD compares: Non-Finnish European, 0.0019%; no homozygotes.

Submissions (3):

Labcorp Genetics (formerly Invitae), Labcorp
Classification: Uncertain significance. Last evaluated: 2025-04-11. Review status: criteria provided, single submitter. Criteria: Invitae Variant Classification Sherloc (09022015). Collection method: clinical testing. Allele origin: germline.
Comment: This sequence change replaces lysine, which is basic and polar, with glutamic acid, which is acidic and polar, at codon 69 of the IMPG1 protein (p.Lys69Glu). This variant is present in population databases (rs748940414, gnomAD 0.002%). This variant has not been reported in the literature in individuals affected with IMPG1-related conditions. ClinVar contains an entry for this variant (Variation ID: 1367553). An algorithm developed to predict the effect of missense changes on protein structure and function (PolyPhen-2) suggests that this variant is likely to be disruptive. In summary, the available evidence is currently insufficient to determine the role of this variant in disease. Therefore, it has been classified as a Variant of Uncertain Significance.

Blueprint Genetics
Classification: Uncertain significance. Last evaluated: 2022-10-06. Review status: criteria provided, single submitter. Criteria: ACMG Guidelines, 2015. Collection method: clinical testing. Allele origin: germline.

PreventionGenetics, part of Exact Sciences
Classification: Uncertain significance for IMPG1-related condition. Last evaluated: 2024-08-30. Review status: no assertion criteria provided. Collection method: clinical testing. Allele origin: germline. Not counted in ClinVar's aggregate classification.
Comment: The IMPG1 c.205A>G variant is predicted to result in the amino acid substitution p.Lys69Glu. To our knowledge, this variant has not been reported in the literature. This variant is reported in 0.0018% of alleles in individuals of European (Non-Finnish) descent in gnomAD. At this time, the clinical significance of this variant is uncertain due to the absence of conclusive functional and genetic evidence.

NM_001563.4(IMPG1):c.205A>G (p.Lys69Glu)

Gene: IMPG1 (interphotoreceptor matrix proteoglycan 1; minus strand). Cytogenetic location: 6q14.1.
Variant type: single nucleotide variant.
Coding change: c.205A>G on transcript NM_001563.4 (MANE Select); coding-DNA position 205, A replaced by G.
Protein change: p.Lys69Glu; replaces lysine 69 with glutamic acid.
Molecular consequence: missense variant. On other transcripts: intron variant (1).
Genome position (GRCh38, 1-based): chr6:76,041,989, T>C on the plus strand (A>G on the coding strand, the complement: IMPG1 is on the minus strand). VCF-style: chr6-76041989-T-C. GRCh37 (hg19) VCF-style: chr6-76751706-T-C.
Other names: c.68-7202A>G (NM_001282368.2); c.205A>G (NM_001563.3); short protein forms K69E.
Identifiers: ClinVar variation 1367553 (VCV001367553.10), dbSNP rs748940414, ClinGen allele CA3898615.